The following is an entry in ClinVar:

ClinVar aggregate classification (germline): Pathogenic (1 of 4 stars; one submission).

Conditions:
Myofibrillar myopathy 5. Also called: FILAMINOPATHY, AUTOSOMAL DOMINANT; Filaminopathy (type). Identifiers: Orphanet 171445, MedGen C1836050, MONDO:0012289, OMIM 609524.
Distal myopathy with posterior leg and anterior hand involvement. Also called: WILLIAMS DISTAL MYOPATHY. Identifiers: Orphanet 63273, MedGen C3279722, MONDO:0013550, OMIM 614065.
Hypertrophic cardiomyopathy 26. Also called: Cardiomyopathy, familial hypertrophic, 26. Identifiers: Orphanet 75249, MedGen C4310749, MONDO:0014883, OMIM 617047.

Submission:

Labcorp Genetics (formerly Invitae), Labcorp
Classification: Pathogenic for Distal myopathy with posterior leg and anterior hand involvement; Myofibrillar myopathy 5; Hypertrophic cardiomyopathy 26. Last evaluated: 2021-12-21. Review status: criteria provided, single submitter. Criteria: Invitae Variant Classification Sherloc (09022015). Collection method: clinical testing. Allele origin: germline.
Comment: For these reasons, this variant has been classified as Pathogenic. Algorithms developed to predict the effect of sequence changes on RNA splicing suggest that this variant may create or strengthen a splice site. This variant has not been reported in the literature in individuals affected with FLNC-related conditions. This variant is not present in population databases (gnomAD no frequency). This sequence change creates a premature translational stop signal (p.Ser379*) in the FLNC gene. It is expected to result in an absent or disrupted protein product. Loss-of-function variants in FLNC are known to be pathogenic (PMID: 27908349).

Literature cited by the submitters: PubMed 27908349.

NM_001458.5(FLNC):c.1136C>G (p.Ser379Ter)

Gene: FLNC (filamin C; plus strand). Cytogenetic location: 7q32.1.
Variant type: single nucleotide variant.
Coding change: c.1136C>G on transcript NM_001458.5 (MANE Select); coding-DNA position 1136, C replaced by G.
Protein change: p.Ser379Ter; replaces serine 379 with a stop codon.
Molecular consequence: nonsense.
Genome position (GRCh38, 1-based): chr7:128,838,355, C>G. VCF-style: chr7-128838355-C-G. GRCh37 (hg19) VCF-style: chr7-128478409-C-G.
Other names: c.1136C>G, p.Ser379Ter (NM_001127487.2); short protein forms S379*.
Identifiers: ClinVar variation 2050858 (VCV002050858.4), dbSNP rs2536621092, ClinGen allele CA369223778.